The following is an entry in ClinVar:

NM_001372044.2(SHANK3):c.4904C>T (p.Ser1635Leu)

Gene: SHANK3 (SH3 and multiple ankyrin repeat domains 3; plus strand). Cytogenetic location: 22q13.33.
Variant type: single nucleotide variant.
Coding change: c.4904C>T on transcript NM_001372044.2 (MANE Select); coding-DNA position 4904, C replaced by T.
Protein change: p.Ser1635Leu; replaces serine 1635 with leucine.
Molecular consequence: missense variant.
Genome position (GRCh38, 1-based): chr22:50,730,795, C>T. VCF-style: chr22-50730795-C-T. GRCh37 (hg19) VCF-style: chr22-51169223-C-T.
Other names: c.4679C>T, p.Ser1560Leu (NM_033517.1); short protein forms S1560L, S1635L.
Identifiers: ClinVar variation 2653430 (VCV002653430.24), dbSNP rs1257181160, ClinGen allele CA515266489.

ClinVar aggregate classification (germline): Uncertain significance (1 of 4 stars; one submission).

Allele frequency attached by ClinVar (database versions not stated): gnomAD exomes below 0.00001; gnomAD 0.00001.

Submission:

CeGaT Center for Human Genetics Tuebingen
Classification: Uncertain significance. Last evaluated: 2023-02-01. Review status: criteria provided, single submitter. Criteria: CeGaT Center For Human Genetics Tuebingen Variant Classification Criteria Version 2. Collection method: clinical testing. Allele origin: germline. Affected: yes. Observed: 1 variant allele.
Comment: SHANK3: PP2